The following is an entry in ClinVar:

ClinVar aggregate classification (germline): Uncertain significance (1 of 4 stars; one submission).

Conditions:
Spastic paraplegia. Identifiers: MedGen C0037772, HP:0001258.

Submission:

Labcorp Genetics (formerly Invitae), Labcorp
Classification: Uncertain significance for Spastic paraplegia. Last evaluated: 2022-03-11. Review status: criteria provided, single submitter. Criteria: Invitae Variant Classification Sherloc (09022015). Collection method: clinical testing. Allele origin: germline.
Comment: In summary, the available evidence is currently insufficient to determine the role of this variant in disease. Therefore, it has been classified as a Variant of Uncertain Significance. Algorithms developed to predict the effect of missense changes on protein structure and function (SIFT, PolyPhen-2, Align-GVGD) all suggest that this variant is likely to be disruptive. This variant has not been reported in the literature in individuals affected with CYP7B1-related conditions. This variant is not present in population databases (gnomAD no frequency). This sequence change replaces histidine, which is basic and polar, with leucine, which is neutral and non-polar, at codon 139 of the CYP7B1 protein (p.His139Leu).

NM_004820.5(CYP7B1):c.416A>T (p.His139Leu)

Gene: CYP7B1 (cytochrome P450 family 7 subfamily B member 1; minus strand). Cytogenetic location: 8q12.3.
Variant type: single nucleotide variant.
Coding change: c.416A>T on transcript NM_004820.5 (MANE Select); coding-DNA position 416, A replaced by T.
Protein change: p.His139Leu; replaces histidine 139 with leucine.
Molecular consequence: missense variant.
Genome position (GRCh38, 1-based): chr8:64,616,125, T>A on the plus strand (A>T on the coding strand, the complement: CYP7B1 is on the minus strand). VCF-style: chr8-64616125-T-A. GRCh37 (hg19) VCF-style: chr8-65528682-T-A.
Other names: c.416A>T, p.His139Leu (NM_001324112.2); short protein forms H139L.
Identifiers: ClinVar variation 2197001 (VCV002197001.4), dbSNP rs2487191900, ClinGen allele CA371335803.